The following is an entry in ClinVar:

ClinVar aggregate classification (germline): Likely pathogenic (1 of 4 stars; one submission).

Submission:

ARUP Laboratories, Molecular Genetics and Genomics, ARUP Laboratories
Classification: Likely pathogenic. Last evaluated: 2021-04-07. Review status: criteria provided, single submitter. Criteria: ARUP Molecular Germline Variant Investigation Process 2021. Collection method: clinical testing. Allele origin: germline.
Comment: The F9 c.205T>A; p.Cys69Ser variant, to our knowledge, is not reported in the medical literature or gene specific databases. This variant is also absent from the Genome Aggregation Database, indicating it is not a common polymorphism. Additionally, other amino acid substitutions at this codon (p.Cys69Arg, Cys69Gly, Cys69Tyr) have been reported in individuals with severe hemophilia B and are considered pathogenic (see F9 database and references therein, Chavali 2009, Yu 2012). The cystine at codon 69 is highly conserved, and computational analyses predict that this variant is deleterious (REVEL: 0.933). Based on available information, this variant is considered to be likely pathogenic. References: EAHAD Factor IX database: Chavali S et al. Hemophilia B is a quasi-quantitative condition with certain mutations showing phenotypic plasticity. Genomics. 2009 Dec;94(6):433-7. PMID: 19699296. Yu T et al. Spectrum of F9 mutations in Chinese haemophilia B patients: identification of 20 novel mutations. Pathology. 2012 Jun;44(4):342-7. PMID: 22544209.

NM_000133.4(F9):c.205T>A (p.Cys69Ser)

Gene: F9 (coagulation factor IX; plus strand). Cytogenetic location: Xq27.1.
Variant type: single nucleotide variant.
Coding change: c.205T>A on transcript NM_000133.4 (MANE Select); coding-DNA position 205, T replaced by A.
Protein change: p.Cys69Ser; replaces cysteine 69 with serine.
Molecular consequence: missense variant.
Genome position (GRCh38, 1-based): chrX:139,537,126, T>A. VCF-style: chrX-139537126-T-A. GRCh37 (hg19) VCF-style: chrX-138619285-T-A.
Other names: c.205T>A, p.Cys69Ser (NM_001313913.2); short protein forms C69S.
Identifiers: ClinVar variation 1330991 (VCV001330991.7), dbSNP rs2148356172, ClinGen allele CA414436026.